The following is an entry in ClinVar:

NM_001367561.1(DOCK7):c.1545C>T (p.Pro515=)

Gene: DOCK7 (dedicator of cytokinesis 7; minus strand). Cytogenetic location: 1p31.3.
Variant type: single nucleotide variant.
Coding change: c.1545C>T on transcript NM_001367561.1 (MANE Select); coding-DNA position 1545, C replaced by T.
Protein change: p.Pro515=; no amino-acid change (proline 515 retained).
Molecular consequence: synonymous variant.
Genome position (GRCh38, 1-based): chr1:62,618,843, G>A on the plus strand (C>T on the coding strand, the complement: DOCK7 is on the minus strand). VCF-style: chr1-62618843-G-A. GRCh37 (hg19) VCF-style: chr1-63084514-G-A.
Other names: c.1545C>T, p.Pro515= (NM_001271999.2, NM_001272000.2, NM_001272001.2 and 3 more transcripts).
Identifiers: ClinVar variation 541924 (VCV000541924.18), dbSNP rs374462701, ClinGen allele CA886916.

ClinVar aggregate classification (germline): Likely benign. Review status: criteria provided, multiple submitters, no conflicts (2 of 4 stars). 4 submissions from 4 submitters: Likely benign (4). Last evaluated 2026-02-05.

Conditions:
Developmental and epileptic encephalopathy, 23 (DEE23). Also called: Epileptic encephalopathy, early infantile, 23. Identifiers: Orphanet 411986, MedGen C4014492, MONDO:0014371, OMIM 615859.
DOCK7-related disorder. Also called: DOCK7-related condition.

Allele frequency attached by ClinVar (database versions not stated): gnomAD 0.00007 and 0.00009; ESP Exome Variant Server 0.00008; gnomAD exomes 0.00012 and 0.00023; 1000 Genomes Project 30x 0.00016; TOPMed 0.00019; 1000 Genomes Project 0.00020; ExAC 0.00021.
gnomAD v4.1: 184 of 1,613,636 alleles (0.011%); highest among the groups gnomAD compares: East Asian, 0.26%; no homozygotes.

Submissions (4):

PreventionGenetics, part of Exact Sciences
Classification: Likely benign for DOCK7-related condition. Last evaluated: 2026-02-05. Review status: criteria provided, single submitter. Criteria: ACMG Guidelines, 2015. Collection method: clinical testing. Allele origin: germline.
Comment: This variant is classified as likely benign based on ACMG/AMP sequence variant interpretation guidelines (Richards et al. 2015 PMID: 25741868, with internal and published modifications).

CeGaT Center for Human Genetics Tuebingen
Classification: Likely benign. Last evaluated: 2026-02-01. Review status: criteria provided, single submitter. Criteria: CeGaT Center For Human Genetics Tuebingen Variant Classification Criteria Version 2. Collection method: clinical testing. Allele origin: germline. Affected: yes. Observed: 1 variant allele.
Comment: DOCK7: BP4, BP7

Labcorp Genetics (formerly Invitae), Labcorp
Classification: Likely benign for Developmental and epileptic encephalopathy, 23. Last evaluated: 2025-11-05. Review status: criteria provided, single submitter. Criteria: Invitae Variant Classification Sherloc (09022015). Collection method: clinical testing. Allele origin: germline.

Blueprint Genetics
Classification: Likely benign. Last evaluated: 2024-06-26. Review status: criteria provided, single submitter. Criteria: ACMG Guidelines, 2015. Collection method: clinical testing. Allele origin: germline.